The following is an entry in ClinVar:

ClinVar aggregate classification (germline): Benign (0 of 4 stars; one submission).

Conditions:
PDZD2-related disorder. Also called: PDZD2-related condition.

Allele frequency attached by ClinVar (database versions not stated): 1000 Genomes Project 0.01398; 1000 Genomes Project 30x 0.01421; TOPMed 0.02493; gnomAD 0.02509; ExAC 0.02811; ESP Exome Variant Server 0.02883.
gnomAD v4.1: 56,404 of 1,613,934 alleles (3.5%); highest among the groups gnomAD compares: Non-Finnish European, 4.2%; 1,151 homozygotes.

Submission:

PreventionGenetics, part of Exact Sciences
Classification: Benign for PDZD2-related condition. Last evaluated: 2019-02-19. Review status: no assertion criteria provided. Collection method: clinical testing. Allele origin: germline.
Comment: This variant is classified as benign based on ACMG/AMP sequence variant interpretation guidelines (Richards et al. 2015 PMID: 25741868, with internal and published modifications).

NM_178140.4(PDZD2):c.4946C>T (p.Ala1649Val)

Gene: PDZD2 (PDZ domain containing 2; plus strand). Cytogenetic location: 5p13.3.
Variant type: single nucleotide variant.
Coding change: c.4946C>T on transcript NM_178140.4 (MANE Select); coding-DNA position 4946, C replaced by T.
Protein change: p.Ala1649Val; replaces alanine 1649 with valine.
Molecular consequence: missense variant.
Genome position (GRCh38, 1-based): chr5:32,088,394, C>T. VCF-style: chr5-32088394-C-T. GRCh37 (hg19) VCF-style: chr5-32088500-C-T.
Other names: short protein forms A1649V.
Identifiers: ClinVar variation 3056477 (VCV003056477.2), dbSNP rs3101873, ClinGen allele CA3219822.